The following is an entry in ClinVar:

NM_000632.4(ITGAM):c.1924G>A (p.Val642Met)

Gene: ITGAM (integrin subunit alpha M; plus strand). Cytogenetic location: 16p11.2.
Variant type: single nucleotide variant.
Coding change: c.1924G>A on transcript NM_000632.4 (MANE Select); coding-DNA position 1924, G replaced by A.
Protein change: p.Val642Met; replaces valine 642 with methionine.
Molecular consequence: missense variant.
Genome position (GRCh38, 1-based): chr16:31,321,549, G>A. VCF-style: chr16-31321549-G-A. GRCh37 (hg19) VCF-style: chr16-31332870-G-A.
Other names: c.1927G>A, p.Val643Met (NM_001145808.2); short protein forms V643M, V642M.
Identifiers: ClinVar variation 1476312 (VCV001476312.8), dbSNP rs1323490569, ClinGen allele CA395682200.

ClinVar aggregate classification (germline): Uncertain significance (1 of 4 stars; one submission).

Allele frequency attached by ClinVar (database versions not stated): TOPMed below 0.00001; gnomAD exomes 0.00001.
gnomAD v4.1: 15 of 1,614,018 alleles (0.00093%); highest among the groups gnomAD compares: Admixed American, 0.0017%; no homozygotes.

Submission:

Labcorp Genetics (formerly Invitae), Labcorp
Classification: Uncertain significance. Last evaluated: 2024-03-13. Review status: criteria provided, single submitter. Criteria: Invitae Variant Classification Sherloc (09022015). Collection method: clinical testing. Allele origin: germline.
Comment: This sequence change replaces valine, which is neutral and non-polar, with methionine, which is neutral and non-polar, at codon 642 of the ITGAM protein (p.Val642Met). This variant is present in population databases (no rsID available, gnomAD 0.003%). This variant has not been reported in the literature in individuals affected with ITGAM-related conditions. ClinVar contains an entry for this variant (Variation ID: 1476312). Algorithms developed to predict the effect of missense changes on protein structure and function output the following: SIFT: "Not Available"; PolyPhen-2: "Benign"; Align-GVGD: "Not Available". The methionine amino acid residue is found in multiple mammalian species, which suggests that this missense change does not adversely affect protein function. In summary, the available evidence is currently insufficient to determine the role of this variant in disease. Therefore, it has been classified as a Variant of Uncertain Significance.